The following is an entry in ClinVar:

ClinVar aggregate classification (germline): Uncertain significance (1 of 4 stars; one submission).

Conditions:
Microcephaly, normal intelligence and immunodeficiency (NBS). Also called: IMMUNODEFICIENCY, MICROCEPHALY, AND CHROMOSOMAL INSTABILITY; SEEMANOVA SYNDROME II; Nijmegen breakage syndrome; Microcephaly with normal intelligence immunodeficiency and lymphoreticular malignancies; Nonsyndromal microcephaly autosomal recessive with normal intelligence; Seemanova syndrome 2. Identifiers: Orphanet 647, MedGen C0398791, MONDO:0009623, OMIM 251260.

Allele frequency attached by ClinVar (database versions not stated): gnomAD exomes below 0.00001; gnomAD 0.00001.
gnomAD v4.1: 3 of 1,613,948 alleles (0.00019%); highest among the groups gnomAD compares: Non-Finnish European, 0.00025%; no homozygotes.

Submission:

Labcorp Genetics (formerly Invitae), Labcorp
Classification: Uncertain significance for Microcephaly, normal intelligence and immunodeficiency. Last evaluated: 2022-04-28. Review status: criteria provided, single submitter. Criteria: Invitae Variant Classification Sherloc (09022015). Collection method: clinical testing. Allele origin: germline.
Comment: This sequence change replaces histidine, which is basic and polar, with arginine, which is basic and polar, at codon 45 of the NBN protein (p.His45Arg). This variant is not present in population databases (gnomAD no frequency). This variant has not been reported in the literature in individuals affected with NBN-related conditions. ClinVar contains an entry for this variant (Variation ID: 461505). Algorithms developed to predict the effect of missense changes on protein structure and function are either unavailable or do not agree on the potential impact of this missense change (SIFT: "Deleterious"; PolyPhen-2: "Probably Damaging"; Align-GVGD: "Class C0"). In summary, the available evidence is currently insufficient to determine the role of this variant in disease. Therefore, it has been classified as a Variant of Uncertain Significance.

NM_002485.5(NBN):c.134A>G (p.His45Arg)

Gene: NBN (nibrin; minus strand). Cytogenetic location: 8q21.3.
Variant type: single nucleotide variant.
Coding change: c.134A>G on transcript NM_002485.5 (MANE Select); coding-DNA position 134, A replaced by G.
Protein change: p.His45Arg; replaces histidine 45 with arginine.
Molecular consequence: missense variant. On other transcripts: 5 prime UTR variant (1).
Genome position (GRCh38, 1-based): chr8:89,982,759, T>C on the plus strand (A>G on the coding strand, the complement: NBN is on the minus strand). VCF-style: chr8-89982759-T-C. GRCh37 (hg19) VCF-style: chr8-90994987-T-C.
Other names: c.-163A>G (NM_001024688.3); short protein forms H45R.
Identifiers: ClinVar variation 461505 (VCV000461505.6), dbSNP rs1554569059, ClinGen allele CA371663027.
Genomic context (GRCh38, chr8:89,982,759, plus strand): 5'-GTGAAATAAAATTAGTAACATACCAGGTTGGTTACAGAAAAGTTAGCAGTTAACACAGCA[T>C]GATTTCGGCTGATCGACTGATCATTTTCAATCAGAATGGCACAGTTTTTCCTTCCAACAA-3'
Protein context (NP_002476.2, residues 35-55): IENDQSISRN[His45Arg]AVLTANFSVT